The following is an entry in ClinVar:

NM_030632.3(ASXL3):c.4044C>G (p.Asn1348Lys)

Gene: ASXL3 (ASXL transcriptional regulator 3; plus strand). Cytogenetic location: 18q12.1.
Variant type: single nucleotide variant.
Coding change: c.4044C>G on transcript NM_030632.3 (MANE Select); coding-DNA position 4044, C replaced by G.
Protein change: p.Asn1348Lys; replaces asparagine 1348 with lysine.
Molecular consequence: missense variant.
Genome position (GRCh38, 1-based): chr18:33,743,892, C>G. VCF-style: chr18-33743892-C-G. GRCh37 (hg19) VCF-style: chr18-31323856-C-G.
Other names: short protein forms N1348K.
Identifiers: ClinVar variation 3602331 (VCV003602331.1).

ClinVar aggregate classification (germline): Uncertain significance (1 of 4 stars; one submission).

Submission:

GeneDx
Classification: Uncertain significance. Last evaluated: 2024-07-25. Review status: criteria provided, single submitter. Criteria: GeneDx Variant Classification Process June 2021. Collection method: clinical testing. Allele origin: germline. Affected: yes.
Comment: Not observed at significant frequency in large population cohorts (gnomAD); In silico analysis indicates that this missense variant does not alter protein structure/function; Has not been previously published as pathogenic or benign to our knowledge